The following is an entry in ClinVar:

ClinVar aggregate classification (germline): Likely benign. Review status: criteria provided, multiple submitters, no conflicts (2 of 4 stars). 4 submissions from 4 submitters: Likely benign (4). Last evaluated 2025-09-11.

Conditions:
Neutropenia, severe congenital, 2, autosomal dominant. Identifiers: Orphanet 486, MedGen C2751288, MONDO:0013139, OMIM 613107.

Allele frequency attached by ClinVar (database versions not stated): gnomAD 0.00001; ExAC 0.00002; gnomAD exomes 0.00002; TOPMed 0.00002.
gnomAD v4.1: 29 of 1,613,950 alleles (0.0018%); highest among the groups gnomAD compares: Non-Finnish European, 0.0021%; no homozygotes.

Submissions (4):

Mayo Clinic Laboratories, Mayo Clinic
Classification: Likely benign. Last evaluated: 2025-09-11. Review status: criteria provided, single submitter. Criteria: ACMG Guidelines, 2015. Collection method: clinical testing. Allele origin: germline. Observed: 1 variant allele.
Comment: BP4, BP7

Ambry Genetics
Classification: Likely benign. Last evaluated: 2024-12-05. Review status: criteria provided, single submitter. Criteria: Ambry Variant Classification Scheme 2023. Collection method: clinical testing. Allele origin: germline.

Labcorp Genetics (formerly Invitae), Labcorp
Classification: Likely benign for Neutropenia, severe congenital, 2, autosomal dominant. Last evaluated: 2023-05-19. Review status: criteria provided, single submitter. Criteria: Invitae Variant Classification Sherloc (09022015). Collection method: clinical testing. Allele origin: germline.

Blueprint Genetics
Classification: Likely benign. Last evaluated: 2022-12-16. Review status: criteria provided, single submitter. Criteria: ACMG Guidelines, 2015. Collection method: clinical testing. Allele origin: germline.

NM_005263.5(GFI1):c.1251G>A (p.Thr417=)

Gene: GFI1 (growth factor independent 1 transcriptional repressor; minus strand). Cytogenetic location: 1p22.1.
Variant type: single nucleotide variant.
Coding change: c.1251G>A on transcript NM_005263.5 (MANE Select); coding-DNA position 1251, G replaced by A.
Protein change: p.Thr417=; no amino-acid change (threonine 417 retained).
Molecular consequence: synonymous variant.
Genome position (GRCh38, 1-based): chr1:92,476,047, C>T on the plus strand (G>A on the coding strand, the complement: GFI1 is on the minus strand). VCF-style: chr1-92476047-C-T. GRCh37 (hg19) VCF-style: chr1-92941604-C-T.
Other names: p.Thr417=; c.1251G>A, p.Thr417= (NM_001127215.3, NM_001127216.3); c.1251G>A (NM_005263.3).
Identifiers: ClinVar variation 1608936 (VCV001608936.11), dbSNP rs757855720, ClinGen allele CA951215.
Genomic context (GRCh38, chr1:92,476,047, plus strand): 5'-CTGTAGTGTTGTGTAGCTGCTGCTTGCAGCCAGCCAGGGTGCTCATTTGAGCCCATGCTG[C>T]GTCTCCCGGTGCCTTCGGAGGTCCACCTTCCTCTGGAAACCCTTCCCACAGAGGTCGCAG-3'
Protein context (NP_005254.2, residues 407-422): RKVDLRRHRE[Thr417=]QHGLK